The following is an entry in ClinVar:

NM_000179.3(MSH6):c.3097A>G (p.Met1033Val)

Gene: MSH6 (mutS homolog 6; plus strand). Cytogenetic location: 2p16.3.
Variant type: single nucleotide variant.
Coding change: c.3097A>G on transcript NM_000179.3 (MANE Select); coding-DNA position 3097, A replaced by G.
Protein change: p.Met1033Val; replaces methionine 1033 with valine.
Molecular consequence: missense variant.
Genome position (GRCh38, 1-based): chr2:47,801,080, A>G. VCF-style: chr2-47801080-A-G. GRCh37 (hg19) VCF-style: chr2-48028219-A-G.
Other names: c.2707A>G, p.Met903Val (NM_001281492.2); c.2191A>G, p.Met731Val (NM_001281493.2, NM_001281494.2); short protein forms M1033V, M731V, M903V.
Identifiers: ClinVar variation 492709 (VCV000492709.15), dbSNP rs1553414508, ClinGen allele CA346756598.

ClinVar aggregate classification (germline): Uncertain significance. Review status: criteria provided, multiple submitters, no conflicts (2 of 4 stars). 4 submissions from 4 submitters: Uncertain significance (3). 1 of the submissions does not count toward it. Last evaluated 2026-01-13.

Conditions:
Hereditary cancer-predisposing syndrome. Also called: Tumor predisposition; Hereditary Cancer Syndrome; Neoplastic Syndromes, Hereditary; Hereditary neoplastic syndrome. Identifiers: Orphanet 140162, MedGen C0027672, MeSH D009386, MONDO:0015356.
Hereditary nonpolyposis colorectal neoplasms. Identifiers: MedGen C0009405, MeSH D003123.

Allele frequency attached by ClinVar (database versions not stated): gnomAD exomes below 0.00001.

Submissions (4):

Ambry Genetics
Classification: Uncertain significance for Hereditary cancer-predisposing syndrome. Last evaluated: 2026-01-13. Review status: criteria provided, single submitter. Criteria: Ambry Variant Classification Scheme 2023. Collection method: clinical testing. Allele origin: germline.
Comment: The p.M1033V variant (also known as c.3097A>G), located in coding exon 4 of the MSH6 gene, results from an A to G substitution at nucleotide position 3097. The methionine at codon 1033 is replaced by valine, an amino acid with highly similar properties. This amino acid position is conserved. In addition, this alteration is predicted to be deleterious by in silico analysis. Based on the available evidence, the clinical significance of this variant remains unclear.

Color Diagnostics, LLC DBA Color Health
Classification: Uncertain significance for Hereditary cancer-predisposing syndrome. Last evaluated: 2024-08-12. Review status: criteria provided, single submitter. Criteria: ACMG Guidelines, 2015. Collection method: clinical testing. Allele origin: germline.
Comment: This missense variant replaces methionine with valine at codon 1033 of the MSH6 protein. Computational prediction suggests that this variant may have deleterious impact on protein structure and function (internally defined REVEL score threshold >= 0.7, PMID: 27666373). To our knowledge, functional studies have not been reported for this variant. This variant has not been reported in individuals affected with MSH6-related disorders in the literature. This variant has not been identified in the general population by the Genome Aggregation Database (gnomAD). The available evidence is insufficient to determine the role of this variant in disease conclusively. Therefore, this variant is classified as a Variant of Uncertain Significance.

Labcorp Genetics (formerly Invitae), Labcorp
Classification: Uncertain significance for Hereditary nonpolyposis colorectal neoplasms. Last evaluated: 2022-02-25. Review status: criteria provided, single submitter. Criteria: Invitae Variant Classification Sherloc (09022015). Collection method: clinical testing. Allele origin: germline.
Comment: This sequence change replaces methionine, which is neutral and non-polar, with valine, which is neutral and non-polar, at codon 1033 of the MSH6 protein (p.Met1033Val). This variant is not present in population databases (gnomAD no frequency). This variant has not been reported in the literature in individuals affected with MSH6-related conditions. ClinVar contains an entry for this variant (Variation ID: 492709). Algorithms developed to predict the effect of missense changes on protein structure and function are either unavailable or do not agree on the potential impact of this missense change (SIFT: "Deleterious"; PolyPhen-2: "Probably Damaging"; Align-GVGD: "Class C15"). In summary, the available evidence is currently insufficient to determine the role of this variant in disease. Therefore, it has been classified as a Variant of Uncertain Significance.

Mayo Clinic Laboratories, Mayo Clinic
Classification: Uncertain significance. Review status: no assertion criteria provided. Collection method: clinical testing. Allele origin: unknown. Not counted in ClinVar's aggregate classification.